The following is an entry in ClinVar:

ClinVar aggregate classification (germline): Benign/Likely benign. Review status: criteria provided, multiple submitters, no conflicts (2 of 4 stars). 6 submissions from 6 submitters: Benign (5); Likely benign (1). Last evaluated 2026-02-01.

Conditions:
Hypogonadotropic hypogonadism 7 with or without anosmia (HH7). Also called: GNRHR-Related GnRH Deficiency; HYPOGONADOTROPIC HYPOGONADISM 7 WITHOUT ANOSMIA. Identifiers: Orphanet 432, MedGen C0342384, MONDO:0007794, OMIM 146110.
CHARGE syndrome (CHARGE). Also called: Coloboma, heart anomaly, choanal atresia, retardation, genital and ear anomalies; CHARGE association; Hall-Hittner syndrome; CHARGE ASSOCIATION--COLOBOMA, HEART ANOMALY, CHOANAL ATRESIA, RETARDATION, GENITAL AND EAR ANOMALIES; Hittner Hirsch Kreh syndrome. Identifiers: Orphanet 138, MedGen C0265354, MONDO:0008965.

Allele frequency attached by ClinVar (database versions not stated): 1000 Genomes Project 30x 0.00281; 1000 Genomes Project 0.00319; ESP Exome Variant Server 0.00369; gnomAD 0.00377 and 0.00396; TOPMed 0.00420; ExAC 0.00519; gnomAD exomes 0.00537 and 0.00561.
gnomAD v4.1: 8,889 of 1,614,098 alleles (0.55%); highest among the groups gnomAD compares: South Asian, 1%; 50 homozygotes.

Submissions (12):

Labcorp Genetics (formerly Invitae), Labcorp
Classification: Benign for CHARGE syndrome. Last evaluated: 2026-02-01. Review status: criteria provided, single submitter. Criteria: Invitae Variant Classification Sherloc (09022015). Collection method: clinical testing. Allele origin: germline.

CeGaT Center for Human Genetics Tuebingen
Classification: Benign. Last evaluated: 2024-12-01. Review status: criteria provided, single submitter. Criteria: CeGaT Center For Human Genetics Tuebingen Variant Classification Criteria Version 2. Collection method: clinical testing. Allele origin: germline. Affected: yes. Observed: 3 variant alleles.
Comment: SEMA3E: BP4, BS1, BS2

Fulgent Genetics
Classification: Likely benign for Hypogonadotropic hypogonadism 7 with or without anosmia; CHD7-related CHARGE syndrome. Last evaluated: 2022-04-20. Review status: criteria provided, single submitter. Criteria: ACMG Guidelines, 2015. Collection method: clinical testing. Allele origin: unknown.

GeneDx
Classification: Benign. Last evaluated: 2020-01-31. Review status: criteria provided, single submitter. Criteria: GeneDx Variant Classification Process June 2021. Collection method: clinical testing. Allele origin: germline. Affected: yes.

Genomic Diagnostic Laboratory, Division of Genomic Diagnostics, Children's Hospital of Philadelphia
Classification: Benign. Last evaluated: 2015-09-30. Review status: criteria provided, single submitter. Criteria: DGD Variant Analysis Guidelines. Collection method: clinical testing. Allele origin: unknown.

Breakthrough Genomics
Classification: Benign. Review status: criteria provided, single submitter. Criteria: ACMG Guidelines, 2015. Collection method: not provided. Allele origin: germline. Inheritance: Unknown mechanism. Affected: yes.

Dr. Peter K. Rogan Lab, Western University
No classification provided (evidence only). Condition: Thyroid cancer, nonmedullary, 1. Review status: no classification provided. Collection method: in vitro. Allele origin: not applicable. Functional consequence: retained intron. Not counted in ClinVar's aggregate classification.

Dr. Peter K. Rogan Lab, Western University
No classification provided (evidence only). Condition: Uterine corpus endometrial carcinoma. Review status: no classification provided. Collection method: in vitro. Allele origin: not applicable. Functional consequence: retained intron. Not counted in ClinVar's aggregate classification.

Dr. Peter K. Rogan Lab, Western University
No classification provided (evidence only). Condition: Cervical cancer. Review status: no classification provided. Collection method: in vitro. Allele origin: not applicable. Functional consequence: retained intron. Not counted in ClinVar's aggregate classification.

Dr. Peter K. Rogan Lab, Western University
No classification provided (evidence only). Condition: Sarcoma. Review status: no classification provided. Collection method: in vitro. Allele origin: not applicable. Functional consequence: retained intron. Not counted in ClinVar's aggregate classification.

Dr. Peter K. Rogan Lab, Western University
No classification provided (evidence only). Condition: Sarcoma. Review status: no classification provided. Collection method: in vitro. Allele origin: not applicable. Functional consequence: retained intron. Not counted in ClinVar's aggregate classification.

Dr. Peter K. Rogan Lab, Western University
No classification provided (evidence only). Condition: Ovarian serous cystadenocarcinoma. Review status: no classification provided. Collection method: in vitro. Allele origin: not applicable. Functional consequence: retained intron. Not counted in ClinVar's aggregate classification.

NM_012431.3(SEMA3E):c.2102G>T (p.Ser701Ile)

Gene: SEMA3E (semaphorin 3E; minus strand). Cytogenetic location: 7q21.11.
Variant type: single nucleotide variant.
Coding change: c.2102G>T on transcript NM_012431.3 (MANE Select); coding-DNA position 2102, G replaced by T.
Protein change: p.Ser701Ile; replaces serine 701 with isoleucine.
Molecular consequence: missense variant.
Genome position (GRCh38, 1-based): chr7:83,367,812, C>A on the plus strand (G>T on the coding strand, the complement: SEMA3E is on the minus strand). VCF-style: chr7-83367812-C-A. GRCh37 (hg19) VCF-style: chr7-82997128-C-A.
Other names: c.1922G>T, p.Ser641Ile (NM_001178129.2); short protein forms S701I, S641I.
Identifiers: ClinVar variation 218701 (VCV000218701.40), dbSNP rs142204796, ClinGen allele CA249272.